The following is an entry in ClinVar:

NC_000008.11:g.58500365G>T

Genes: CYP7A1 (cytochrome P450 family 7 subfamily A member 1; minus strand), LOC110596866 (CYP7A1 5' regulatory region; plus strand). Cytogenetic location: 8q12.1.
Variant type: single nucleotide variant.
Genome position: GRCh38 VCF-style: chr8-58500365-G-T. GRCh37 (hg19) VCF-style: chr8-59412924-G-T.
Identifiers: ClinVar variation 1229509 (VCV001229509.5), dbSNP rs3808607, ClinGen allele CA12812314.
Genomic context (GRCh38, chr8:58,500,365, plus strand): 5'-CACAGGTATCAGAAGTGGTTCCAAAGCAATCAGAGACCTGCAATACTTGATAAGTTGAAG[G>T]TCTCTCAAATATATGTTGACTTAACATTCGGACCTGGGGACAACAGCTAATATTAAGAGT-3'

ClinVar aggregate classification (germline): Benign. Review status: criteria provided, multiple submitters, no conflicts (2 of 4 stars). 2 submissions from 2 submitters: Benign (2). Last evaluated 2018-09-29.

Allele frequency attached by ClinVar (database versions not stated): 1000 Genomes Project 0.52416; 1000 Genomes Project 30x 0.53154; gnomAD 0.54459 and 0.54688; TOPMed 0.55508; gnomAD exomes 0.58009.

Submissions (2):

GeneDx
Classification: Benign. Last evaluated: 2018-09-29. Review status: criteria provided, single submitter. Criteria: GeneDx Variant Classification Process June 2021. Collection method: clinical testing. Allele origin: germline. Affected: yes.
Comment: This variant is associated with the following publications: (PMID: 15262185, 19850125, 18178499, 18728290, 20884100)

Breakthrough Genomics
Classification: Benign. Review status: criteria provided, single submitter. Criteria: ACMG Guidelines, 2015. Collection method: not provided. Allele origin: germline. Inheritance: Unknown mechanism. Affected: yes.